The following is an entry in ClinVar:

ClinVar aggregate classification (germline): Conflicting classifications of pathogenicity. Review status: criteria provided, conflicting classifications (1 of 4 stars). 2 submissions from 2 submitters: Uncertain significance (1); Benign (1). Last evaluated 2024-10-22.

Conditions:
Kabuki syndrome. Also called: NIIKAWA-KUROKI SYNDROME; Kabuki make-up syndrome. Identifiers: Orphanet 2322, MedGen C0796004, MONDO:0016512.

Allele frequency attached by ClinVar (database versions not stated): gnomAD exomes 0.00001.
gnomAD v4.1: 7 of 1,581,644 alleles (0.00044%); highest among the groups gnomAD compares: Non-Finnish European, 0.0006%; no homozygotes.

Submissions (2):

Labcorp Genetics (formerly Invitae), Labcorp
Classification: Benign for Kabuki syndrome. Last evaluated: 2024-10-22. Review status: criteria provided, single submitter. Criteria: Invitae Variant Classification Sherloc (09022015). Collection method: clinical testing. Allele origin: germline.

GeneDx
Classification: Uncertain significance. Last evaluated: 2022-02-23. Review status: criteria provided, single submitter. Criteria: GeneDx Variant Classification Process June 2021. Collection method: clinical testing. Allele origin: germline. Affected: yes.
Comment: In silico analysis supports that this missense variant does not alter protein structure/function; Has not been previously published as pathogenic or benign to our knowledge

NM_003482.4(KMT2D):c.5939C>T (p.Thr1980Met)

Gene: KMT2D (lysine methyltransferase 2D; minus strand). Cytogenetic location: 12q13.12.
Variant type: single nucleotide variant.
Coding change: c.5939C>T on transcript NM_003482.4 (MANE Select); coding-DNA position 5939, C replaced by T.
Protein change: p.Thr1980Met; replaces threonine 1980 with methionine.
Molecular consequence: missense variant.
Genome position (GRCh38, 1-based): chr12:49,042,259, G>A on the plus strand (C>T on the coding strand, the complement: KMT2D is on the minus strand). VCF-style: chr12-49042259-G-A. GRCh37 (hg19) VCF-style: chr12-49436042-G-A.
Other names: short protein forms T1980M.
Identifiers: ClinVar variation 1703312 (VCV001703312.5), dbSNP rs1164333482, ClinGen allele CA384627441.